The following is an entry in ClinVar:

ClinVar aggregate classification (germline): Likely benign. Review status: criteria provided, multiple submitters, no conflicts (2 of 4 stars). 2 submissions from 2 submitters: Likely benign (2). Last evaluated 2026-01-05.

Conditions:
AKT2-related disorder. Also called: AKT2-related condition.
Hypoinsulinemic hypoglycemia and body hemihypertrophy. Also called: Hypoinsulinemic hypoglycemia and hemihypertrophy. Identifiers: Orphanet 293964, MedGen C3278384, MONDO:0009416, OMIM 240900.
Type 2 diabetes mellitus. Also called: Type II diabetes mellitus. Identifiers: MedGen C0011860, MeSH D003924, MONDO:0005148, OMIM 125853, HP:0005978.

Allele frequency attached by ClinVar (database versions not stated): gnomAD 0.00002; gnomAD exomes 0.00002 and 0.00008; ExAC 0.00011; TOPMed 0.00014.
gnomAD v4.1: 34 of 1,614,016 alleles (0.0021%); highest among the groups gnomAD compares: Admixed American, 0.042%; no homozygotes.

Submissions (2):

PreventionGenetics, part of Exact Sciences
Classification: Likely benign for AKT2-related condition. Last evaluated: 2026-01-05. Review status: criteria provided, single submitter. Criteria: ACMG Guidelines, 2015. Collection method: clinical testing. Allele origin: germline.
Comment: This variant is classified as likely benign based on ACMG/AMP sequence variant interpretation guidelines (Richards et al. 2015 PMID: 25741868, with internal and published modifications).

Labcorp Genetics (formerly Invitae), Labcorp
Classification: Likely benign for Hypoinsulinemic hypoglycemia and body hemihypertrophy; Type 2 diabetes mellitus. Last evaluated: 2024-02-16. Review status: criteria provided, single submitter. Criteria: Invitae Variant Classification Sherloc (09022015). Collection method: clinical testing. Allele origin: germline.

NM_001626.6(AKT2):c.1065C>T (p.His355=)

Gene: AKT2 (AKT serine/threonine kinase 2; minus strand). Cytogenetic location: 19q13.2.
Variant type: single nucleotide variant.
Coding change: c.1065C>T on transcript NM_001626.6 (MANE Select); coding-DNA position 1065, C replaced by T.
Protein change: p.His355=; no amino-acid change (histidine 355 retained).
Molecular consequence: synonymous variant.
Genome position (GRCh38, 1-based): chr19:40,236,000, G>A on the plus strand (C>T on the coding strand, the complement: AKT2 is on the minus strand). VCF-style: chr19-40236000-G-A. GRCh37 (hg19) VCF-style: chr19-40741907-G-A.
Other names: c.879C>T, p.His293= (NM_001243027.3, NM_001243028.3); c.936C>T, p.His312= (NM_001330511.1).
Identifiers: ClinVar variation 779566 (VCV000779566.9), dbSNP rs781682925, ClinGen allele CA9441596.